The following is an entry in ClinVar:

NM_006206.6(PDGFRA):c.2794T>G (p.Cys932Gly)

Gene: PDGFRA (platelet derived growth factor receptor alpha; plus strand). Cytogenetic location: 4q12.
Variant type: single nucleotide variant.
Coding change: c.2794T>G on transcript NM_006206.6 (MANE Select); coding-DNA position 2794, T replaced by G.
Protein change: p.Cys932Gly; replaces cysteine 932 with glycine.
Molecular consequence: missense variant.
Genome position (GRCh38, 1-based): chr4:54,289,028, T>G. VCF-style: chr4-54289028-T-G. GRCh37 (hg19) VCF-style: chr4-55155195-T-G.
Other names: c.2869T>G, p.Cys957Gly (NM_001347828.2); c.2794T>G, p.Cys932Gly (NM_001347829.2); c.2833T>G, p.Cys945Gly (NM_001347830.2); short protein forms C932G, C945G, C957G.
Identifiers: ClinVar variation 2453848 (VCV002453848.2), dbSNP rs2475560894, ClinGen allele CA356895687.

ClinVar aggregate classification (germline): Uncertain significance (1 of 4 stars; one submission).

Conditions:
Hereditary cancer-predisposing syndrome. Also called: Neoplastic Syndromes, Hereditary; Hereditary neoplastic syndrome; Tumor predisposition; Hereditary Cancer Syndrome. Identifiers: Orphanet 140162, MedGen C0027672, MeSH D009386, MONDO:0015356.

Submission:

Ambry Genetics
Classification: Uncertain significance for Hereditary cancer-predisposing syndrome. Last evaluated: 2022-11-06. Review status: criteria provided, single submitter. Criteria: Ambry Variant Classification Scheme 2023. Collection method: clinical testing. Allele origin: germline.
Comment: The p.C932G variant (also known as c.2794T>G), located in coding exon 20 of the PDGFRA gene, results from a T to G substitution at nucleotide position 2794. The cysteine at codon 932 is replaced by glycine, an amino acid with highly dissimilar properties. This amino acid position is conserved. In addition, this alteration is predicted to be deleterious by in silico analysis. Since supporting evidence is limited at this time, the clinical significance of this alteration remains unclear.